The following is an entry in ClinVar:

ClinVar aggregate classification (germline): Benign. Review status: criteria provided, multiple submitters, no conflicts (2 of 4 stars). 3 submissions from 3 submitters: Benign (2). 1 of the submissions does not count toward it. Last evaluated 2021-05-04.

Conditions:
GATB-related disorder. Also called: GATB-related condition.

Allele frequency attached by ClinVar (database versions not stated): ESP Exome Variant Server 0.00054; gnomAD exomes 0.00375 and 0.01474; gnomAD 0.00866 and 0.00923; ExAC 0.01135; TOPMed 0.01229; 1000 Genomes Project 0.01438; 1000 Genomes Project 30x 0.01530.
gnomAD v4.1: 6,809 of 1,603,940 alleles (0.42%); highest among the groups gnomAD compares: Admixed American, 8.7%; 335 homozygotes.

Submissions (3):

GeneDx
Classification: Benign. Last evaluated: 2021-05-04. Review status: criteria provided, single submitter. Criteria: GeneDx Variant Classification Process June 2021. Collection method: clinical testing. Allele origin: germline. Affected: yes.

Breakthrough Genomics
Classification: Benign. Review status: criteria provided, single submitter. Criteria: ACMG Guidelines, 2015. Collection method: not provided. Allele origin: germline. Inheritance: Autosomal recessive inheritance. Affected: yes.

PreventionGenetics, part of Exact Sciences
Classification: Benign for GATB-related condition. Last evaluated: 2019-11-05. Review status: no assertion criteria provided. Collection method: clinical testing. Allele origin: germline. Not counted in ClinVar's aggregate classification.
Comment: This variant is classified as benign based on ACMG/AMP sequence variant interpretation guidelines (Richards et al. 2015 PMID: 25741868, with internal and published modifications).

NM_004564.3(GATB):c.1329G>A (p.Glu443=)

Gene: GATB (glutamyl-tRNA amidotransferase subunit B; minus strand). Cytogenetic location: 4q31.3.
Variant type: single nucleotide variant.
Coding change: c.1329G>A on transcript NM_004564.3 (MANE Select); coding-DNA position 1329, G replaced by A.
Protein change: p.Glu443=; no amino-acid change (glutamic acid 443 retained).
Molecular consequence: synonymous variant.
Genome position (GRCh38, 1-based): chr4:151,688,632, C>T on the plus strand (G>A on the coding strand, the complement: GATB is on the minus strand). VCF-style: chr4-151688632-C-T. GRCh37 (hg19) VCF-style: chr4-152609784-C-T.
Other names: c.1329G>A, p.Glu443= (NM_001363341.2).
Identifiers: ClinVar variation 1287980 (VCV001287980.4), dbSNP rs75029272, ClinGen allele CA3105626.